The following is an entry in ClinVar:

NM_000159.4(GCDH):c.116A>C (p.Gln39Pro)

Genes: GCDH (glutaryl-CoA dehydrogenase; plus strand), LOC117125594 (CRISPRi-FlowFISH-validated KLF1 regulatory element; plus strand). Cytogenetic location: 19p13.13.
Variant type: single nucleotide variant.
Coding change: c.116A>C on transcript NM_000159.4 (MANE Select); coding-DNA position 116, A replaced by C.
Protein change: p.Gln39Pro; replaces glutamine 39 with proline.
Molecular consequence: missense variant. On other transcripts: non-coding transcript variant (2).
Genome position (GRCh38, 1-based): chr19:12,891,511, A>C. VCF-style: chr19-12891511-A-C. GRCh37 (hg19) VCF-style: chr19-13002325-A-C.
Other names: c.116A>C, p.Gln39Pro (NM_013976.5); c.116A>C (NM_000159.2); short protein forms Q39P.
Identifiers: ClinVar variation 654494 (VCV000654494.12), dbSNP rs1599606857, ClinGen allele CA404314451.

ClinVar aggregate classification (germline): Uncertain significance. Review status: criteria provided, multiple submitters, no conflicts (2 of 4 stars). 2 submissions from 2 submitters: Uncertain significance (2). Last evaluated 2025-10-18.

Conditions:
Glutaric aciduria, type 1. Also called: Glutaryl-CoA dehydrogenase deficiency; GA I; Glutaric acidemia type I; Glutaric Acidemia Type 1; Glutaricacidemia Type 1; Glutaricaciduria, type I. Identifiers: Orphanet 25, MedGen C0268595, MONDO:0009281, OMIM 231670.
Inborn genetic diseases. Identifiers: MedGen C0950123, MeSH D030342.

Submissions (2):

Ambry Genetics
Classification: Uncertain significance for Inborn genetic diseases. Last evaluated: 2025-10-18. Review status: criteria provided, single submitter. Criteria: Ambry Variant Classification Scheme 2023. Collection method: clinical testing. Allele origin: germline.

Labcorp Genetics (formerly Invitae), Labcorp
Classification: Uncertain significance for Glutaric aciduria, type 1. Last evaluated: 2022-10-18. Review status: criteria provided, single submitter. Criteria: Invitae Variant Classification Sherloc (09022015). Collection method: clinical testing. Allele origin: germline.
Comment: In summary, the available evidence is currently insufficient to determine the role of this variant in disease. Therefore, it has been classified as a Variant of Uncertain Significance. Advanced modeling of protein sequence and biophysical properties (such as structural, functional, and spatial information, amino acid conservation, physicochemical variation, residue mobility, and thermodynamic stability) performed at Invitae indicates that this missense variant is not expected to disrupt GCDH protein function. ClinVar contains an entry for this variant (Variation ID: 654494). This variant has not been reported in the literature in individuals affected with GCDH-related conditions. This variant is not present in population databases (gnomAD no frequency). This sequence change replaces glutamine, which is neutral and polar, with proline, which is neutral and non-polar, at codon 39 of the GCDH protein (p.Gln39Pro).